The following is an entry in ClinVar:

ClinVar aggregate classification (germline): Uncertain significance (1 of 4 stars; one submission).

Submission:

Ambry Genetics
Classification: Uncertain significance. Last evaluated: 2026-06-09. Review status: criteria provided, single submitter. Criteria: Ambry Variant Classification Scheme 2023. Collection method: clinical testing. Allele origin: germline.
Comment: The p.V415L variant (also known as c.1243G>C), located in coding exon 1 of the TET2 gene, results from a G to C substitution at nucleotide position 1243. The valine at codon 415 is replaced by leucine, an amino acid with highly similar properties. This amino acid position is conserved. In addition, this alteration is predicted to be tolerated by in silico analysis. Based on the available evidence, the clinical significance of this variant remains unclear.

NM_001127208.3(TET2):c.1243G>C (p.Val415Leu)

Genes: TET2 (tet methylcytosine dioxygenase 2; plus strand), TET2-AS1 (TET2 antisense RNA 1; minus strand). Cytogenetic location: 4q24.
Variant type: single nucleotide variant.
Coding change: c.1243G>C on transcript NM_001127208.3 (MANE Select); coding-DNA position 1243, G replaced by C.
Protein change: p.Val415Leu; replaces valine 415 with leucine.
Molecular consequence: missense variant.
Genome position (GRCh38, 1-based): chr4:105,235,185, G>C. VCF-style: chr4-105235185-G-C. GRCh37 (hg19) VCF-style: chr4-106156342-G-C.
Other names: c.1243G>C, p.Val415Leu (NM_017628.4); short protein forms V415L.
Identifiers: ClinVar variation 4865614 (VCV004865614.1).
Genomic context (GRCh38, chr4:105,235,185, plus strand): 5'-ACTACCACACCACCACCACCATCACAATTGCTTCTTTCTCCCCCTCCTCCTCTTCCACAG[G>C]TTCCTCAGCTTCCTTCAGAAGGAAAAAGCACTCTGAATGGTGGAGTTTTAGAAGAACACC-3'
Protein context (NP_001120680.1, residues 405-425): LLSPPPPLPQ[Val415Leu]PQLPSEGKST